The following is an entry in ClinVar:

ClinVar aggregate classification (germline): Uncertain significance. Review status: criteria provided, multiple submitters, no conflicts (2 of 4 stars). 2 submissions from 2 submitters: Uncertain significance (2). Last evaluated 2026-06-29.

Conditions:
Inborn genetic diseases. Identifiers: MedGen C0950123, MeSH D030342.

gnomAD v4.1: 6 of 1,614,184 alleles (0.00037%); highest among the groups gnomAD compares: Admixed American, 0.0033%; no homozygotes.

Submissions (2):

Ambry Genetics
Classification: Uncertain significance for Inborn genetic diseases. Last evaluated: 2026-06-29. Review status: criteria provided, single submitter. Criteria: Ambry Variant Classification Scheme 2023. Collection method: clinical testing. Allele origin: germline.
Comment: The c.1042C>T (p.R348W) alteration is located in exon 13 (coding exon 10) of the EPB41 gene. This alteration results from a C to T substitution at nucleotide position 1042, causing the arginine (R) at amino acid position 348 to be replaced by a tryptophan (W). Based on data from gnomAD, the T allele has an overall frequency of <0.001% (1/251068) total alleles studied. The highest observed frequency was 0.003% (1/34586) of Latino alleles. Based on insufficient or conflicting evidence, the clinical significance of this alteration remains unclear.

Labcorp Genetics (formerly Invitae), Labcorp
Classification: Uncertain significance. Last evaluated: 2025-01-29. Review status: criteria provided, single submitter. Criteria: Invitae Variant Classification Sherloc (09022015). Collection method: clinical testing. Allele origin: germline.
Comment: This sequence change replaces arginine, which is basic and polar, with tryptophan, which is neutral and slightly polar, at codon 348 of the EPB41 protein (p.Arg348Trp). This variant is present in population databases (rs766647770, gnomAD 0.003%). This variant has not been reported in the literature in individuals affected with EPB41-related conditions. Invitae Evidence Modeling of protein sequence and biophysical properties (such as structural, functional, and spatial information, amino acid conservation, physicochemical variation, residue mobility, and thermodynamic stability) has been performed for this missense variant. However, the output from this modeling did not meet the statistical confidence thresholds required to predict the impact of this variant on EPB41 protein function. In summary, the available evidence is currently insufficient to determine the role of this variant in disease. Therefore, it has been classified as a Variant of Uncertain Significance.

NM_001376013.1(EPB41):c.1669C>T (p.Arg557Trp)

Gene: EPB41 (erythrocyte membrane protein band 4.1; plus strand). Cytogenetic location: 1p35.3.
Variant type: single nucleotide variant.
Coding change: c.1669C>T on transcript NM_001376013.1 (MANE Select); coding-DNA position 1669, C replaced by T.
Protein change: p.Arg557Trp; replaces arginine 557 with tryptophan.
Molecular consequence: missense variant.
Genome position (GRCh38, 1-based): chr1:29,053,136, C>T. VCF-style: chr1-29053136-C-T. GRCh37 (hg19) VCF-style: chr1-29379648-C-T.
Other names: c.1042C>T (NM_004437.3); c.1669C>T, p.Arg557Trp (NM_001166005.2, NM_001166006.2, NM_001376014.1 and 5 more transcripts); c.1042C>T, p.Arg348Trp (NM_001166007.2, NM_001376022.1, NM_001376023.1 and 5 more transcripts); c.1666C>T, p.Arg556Trp (NM_001376018.1, NM_001376020.1); c.1039C>T, p.Arg347Trp (NM_001376026.1, NM_001376028.1); c.1564C>T, p.Arg522Trp (NM_203343.3); short protein forms R557W, R348W, R347W, R522W, R556W.
Identifiers: ClinVar variation 3711476 (VCV003711476.3).